The following is an entry in ClinVar:

NM_001035.3(RYR2):c.5440A>G (p.Thr1814Ala)

Gene: RYR2 (ryanodine receptor 2; plus strand). Cytogenetic location: 1q43.
Variant type: single nucleotide variant.
Coding change: c.5440A>G on transcript NM_001035.3 (MANE Select); coding-DNA position 5440, A replaced by G.
Protein change: p.Thr1814Ala; replaces threonine 1814 with alanine.
Molecular consequence: missense variant.
Genome position (GRCh38, 1-based): chr1:237,614,568, A>G. VCF-style: chr1-237614568-A-G. GRCh37 (hg19) VCF-style: chr1-237777868-A-G.
Other names: short protein forms T1814A.
Identifiers: ClinVar variation 2587832 (VCV002587832.3), dbSNP rs2546795581, ClinGen allele CA345405027.
Genomic context (GRCh38, chr1:237,614,568, plus strand): 5'-ATGCTGACAGAAGCTGTTAAAGAGGGCAGTCTTCATGCCCGGGACCCAGTTGGAGGGACT[A>G]CTGAATTCCTCTTTGTACCTCTCATCAAGCTTTTCTATACCCTGCTGATCATGGGCATCT-3'
Protein context (NP_001026.2, residues 1804-1824): LHARDPVGGT[Thr1814Ala]EFLFVPLIKL

ClinVar aggregate classification (germline): Uncertain significance. Review status: criteria provided, multiple submitters, no conflicts (2 of 4 stars). 2 submissions from 2 submitters: Uncertain significance (2). Last evaluated 2025-10-20.

Conditions:
Cardiovascular phenotype. Identifiers: MedGen CN230736.
Cardiomyopathy (CMYO). Also called: Cardiomyopathies. Identifiers: Orphanet 167848, MedGen C0878544, MONDO:0004994, HP:0001638. Inheritance: Various modes of inheritance.

Submissions (2):

Color Diagnostics, LLC DBA Color Health
Classification: Uncertain significance for Cardiomyopathy. Last evaluated: 2025-10-20. Review status: criteria provided, single submitter. Criteria: ACMG Guidelines, 2015. Collection method: clinical testing. Allele origin: germline.
Comment: This missense variant replaces threonine with alanine at codon 1814 of the RYR2 protein. Computational prediction suggests that this variant may not impact protein structure and function. To our knowledge, functional studies have not been reported for this variant. This variant has not been reported in individuals affected with RYR2-related disorders in the literature. This variant has not been identified in the general population by the Genome Aggregation Database (gnomAD). The available evidence is insufficient to determine the role of this variant in disease conclusively. Therefore, this variant is classified as a Variant of Uncertain Significance.

Ambry Genetics
Classification: Uncertain significance for Cardiovascular phenotype. Last evaluated: 2023-08-22. Review status: criteria provided, single submitter. Criteria: Ambry Variant Classification Scheme 2023. Collection method: clinical testing. Allele origin: germline.
Comment: The p.T1814A variant (also known as c.5440A>G), located in coding exon 37 of the RYR2 gene, results from an A to G substitution at nucleotide position 5440. The threonine at codon 1814 is replaced by alanine, an amino acid with similar properties. This amino acid position is well conserved in available vertebrate species. In addition, this alteration is predicted to be tolerated by in silico analysis. Since supporting evidence is limited at this time, the clinical significance of this alteration remains unclear.